The following is an entry in ClinVar:

ClinVar aggregate classification (germline): Conflicting classifications of pathogenicity. Review status: criteria provided, conflicting classifications (1 of 4 stars). 6 submissions from 6 submitters: Uncertain significance (1); Benign (1); Likely benign (4). Last evaluated 2026-01-09.

Conditions:
BLK-related disorder. Also called: BLK-related condition.
Maturity-onset diabetes of the young type 11. Identifiers: Orphanet 552, MedGen C3150618, MONDO:0013242, OMIM 613375.
Systemic lupus erythematosus (SLE). Identifiers: Orphanet 536, MedGen C0024141, MONDO:0007915, OMIM 152700, HP:0002725.

Allele frequency attached by ClinVar (database versions not stated): gnomAD 0.00006 and 0.00007; 1000 Genomes Project 30x 0.00016; TOPMed 0.00016; 1000 Genomes Project 0.00020.
gnomAD v4.1: 164 of 1,613,916 alleles (0.01%); highest among the groups gnomAD compares: Admixed American, 0.22%; 1 homozygote.

Submissions (6):

Labcorp Genetics (formerly Invitae), Labcorp
Classification: Likely benign. Last evaluated: 2026-01-09. Review status: criteria provided, single submitter. Criteria: Invitae Variant Classification Sherloc (09022015). Collection method: clinical testing. Allele origin: germline.

PreventionGenetics, part of Exact Sciences
Classification: Likely benign for BLK-related condition. Last evaluated: 2025-05-14. Review status: criteria provided, single submitter. Criteria: ACMG Guidelines, 2015. Collection method: clinical testing. Allele origin: germline.
Comment: This variant is classified as likely benign based on ACMG/AMP sequence variant interpretation guidelines (Richards et al. 2015 PMID: 25741868, with internal and published modifications).

Genetic Services Laboratory, University of Chicago
Classification: Likely benign. Last evaluated: 2021-10-08. Review status: criteria provided, single submitter. Criteria: ACMG Guidelines, 2015. Collection method: clinical testing. Allele origin: germline. Affected: no.

GeneDx
Classification: Likely benign. Last evaluated: 2021-03-26. Review status: criteria provided, single submitter. Criteria: GeneDx Variant Classification Process June 2021. Collection method: clinical testing. Allele origin: germline. Affected: yes.
Comment: In silico analysis supports that this missense variant has a deleterious effect on protein structure/function; Has not been previously published as pathogenic or benign to our knowledge

Illumina Laboratory Services, Illumina
Classification: Benign for Maturity-onset diabetes of the young type 11. Last evaluated: 2018-01-13. Review status: criteria provided, single submitter. Criteria: ICSL Variant Classification Criteria 13 December 2019. Collection method: clinical testing. Allele origin: germline.
Comment: This variant was observed in the ICSL laboratory as part of a predisposition screen in an ostensibly healthy population. It had not been previously curated by ICSL or reported in the Human Gene Mutation Database (HGMD: prior to June 1st, 2018), and was therefore a candidate for classification through an automated scoring system. Utilizing variant allele frequency, disease prevalence and penetrance estimates, and inheritance mode, an automated score was calculated to assess if this variant is too frequent to cause the disease. Based on the score and internal cut-off values, a variant classified as benign is not then subjected to further curation. The score for this variant resulted in a classification of benign for this disease.

Clinical Genomics, Uppaluri K&H Personalized Medicine Clinic
Classification: Uncertain significance for Systemic lupus erythematosus. Review status: criteria provided, single submitter. Criteria: K & H Uppaluri Personalized Medicine Clinic Variant Classification & Assertion Criteria_Updated V.1. Collection method: research. Allele origin: unknown.
Comment: BLK gene is associated with Systemic lupus erythematosus, sjogren's syndrome and other systemic inflammatory conditions. However no sufficient evidence is found to ascertain the role of this particular variant rs199696853, yet.

Literature cited by the submitters: PubMed 32313195 (cited by Clinical Genomics, Uppaluri K&H Personalized Medicine Clinic); PubMed 19667185 (cited by Clinical Genomics, Uppaluri K&H Personalized Medicine Clinic); PubMed 18204098 (cited by Clinical Genomics, Uppaluri K&H Personalized Medicine Clinic); PubMed 24023612 (cited by Clinical Genomics, Uppaluri K&H Personalized Medicine Clinic); PubMed 31670388 (cited by Clinical Genomics, Uppaluri K&H Personalized Medicine Clinic).

NM_001715.3(BLK):c.1057C>T (p.Arg353Cys)

Gene: BLK (BLK proto-oncogene, Src family tyrosine kinase). Cytogenetic location: 8p23.1.
Variant type: single nucleotide variant.
Coding change: c.1057C>T on transcript NM_001715.3 (MANE Select); coding-DNA position 1057, C replaced by T.
Protein change: p.Arg353Cys; replaces arginine 353 with cysteine.
Molecular consequence: missense variant.
Genome position (GRCh38, 1-based): chr8:11,561,329, C>T. VCF-style: chr8-11561329-C-T. GRCh37 (hg19) VCF-style: chr8-11418838-C-T.
Other names: c.844C>T, p.Arg282Cys (NM_001330465.2); short protein forms R353C, R282C.
Identifiers: ClinVar variation 361491 (VCV000361491.16), dbSNP rs199696853, ClinGen allele CA4630356.
Genomic context (GRCh38, chr8:11,561,329, plus strand): 5'-AGGCTGTCCTTCACCATGTGCCTGTTCCCTCAGATTGCTGAAGGGATGGCATACATTGAG[C>T]GCATGAATTCCATCCACCGCGACCTGCGGGCGGCCAACATCCTGGTGTCTGAGGCCTTGT-3'
Protein context (NP_001706.2, residues 343-363): QIAEGMAYIE[Arg353Cys]MNSIHRDLRA